The following is an entry in ClinVar:

NM_000522.5(HOXA13):c.1122G>A (p.Arg374=)

Gene: HOXA13 (homeobox A13; minus strand). Cytogenetic location: 7p15.2.
Variant type: single nucleotide variant.
Coding change: c.1122G>A on transcript NM_000522.5 (MANE Select); coding-DNA position 1122, G replaced by A.
Protein change: p.Arg374=; no amino-acid change (arginine 374 retained).
Molecular consequence: synonymous variant.
Genome position (GRCh38, 1-based): chr7:27,198,243, C>T on the plus strand (G>A on the coding strand, the complement: HOXA13 is on the minus strand). VCF-style: chr7-27198243-C-T. GRCh37 (hg19) VCF-style: chr7-27237862-C-T.
Identifiers: ClinVar variation 4987150 (VCV004987150.1).
Genomic context (GRCh38, chr7:27,198,243, plus strand): 5'-TCTATTTTTAATCCATTAACTAGTGGTTTTCAGTTTGTTGATGACTTTTTTCTCTTTAAC[C>T]CTCCTGTTCTGGAACCAGATTGTGACCTGCCGCTCAGAGAGATTCGTCGTGGCTGATATC-3'
Protein context (NP_000513.2, residues 364-384): RQVTIWFQNR[Arg374=]VKEKKVINKL

ClinVar aggregate classification (germline): Likely benign (1 of 4 stars; one submission).

Conditions:
HOXA13-related disorder. Also called: HOXA13-related condition.

Submission:

PreventionGenetics, part of Exact Sciences
Classification: Likely benign for HOXA13-related condition. Last evaluated: 2025-07-29. Review status: criteria provided, single submitter. Criteria: ACMG Guidelines, 2015. Collection method: clinical testing. Allele origin: germline.
Comment: This variant is classified as likely benign based on ACMG/AMP sequence variant interpretation guidelines (Richards et al. 2015 PMID: 25741868, with internal and published modifications).